The following is an entry in ClinVar:

NM_022788.5(P2RY12):c.1004A>C (p.Asp335Ala)

Genes: MED12L (mediator complex subunit 12L; plus strand), P2RY12 (purinergic receptor P2Y12; minus strand). Cytogenetic location: 3q25.1.
Variant type: single nucleotide variant.
Coding change: c.1004A>C on transcript NM_022788.5 (MANE Select); coding-DNA position 1004, A replaced by C.
Protein change: p.Asp335Ala; replaces aspartic acid 335 with alanine.
Molecular consequence: missense variant. On other transcripts: intron variant (2).
Genome position (GRCh38, 1-based): chr3:151,337,842, T>G on the plus strand (A>C on the coding strand, the complement: P2RY12 is on the minus strand). VCF-style: chr3-151337842-T-G. GRCh37 (hg19) VCF-style: chr3-151055630-T-G.
Other names: c.1004A>C, p.Asp335Ala (NM_176876.3); c.2251-12217T>G (NM_001393769.1); c.2146-12217T>G (NM_053002.6); short protein forms D335A.
Identifiers: ClinVar variation 2958581 (VCV002958581.3), dbSNP rs745898005, ClinGen allele CA354979509.

ClinVar aggregate classification (germline): Uncertain significance (1 of 4 stars; one submission).

Allele frequency attached by ClinVar (database versions not stated): gnomAD 0.00001; TOPMed 0.00002.
gnomAD v4.1: 21 of 1,613,962 alleles (0.0013%); highest among the groups gnomAD compares: Non-Finnish European, 0.0018%; no homozygotes.

Submission:

Labcorp Genetics (formerly Invitae), Labcorp
Classification: Uncertain significance. Last evaluated: 2025-03-30. Review status: criteria provided, single submitter. Criteria: Invitae Variant Classification Sherloc (09022015). Collection method: clinical testing. Allele origin: germline.
Comment: This sequence change replaces aspartic acid, which is acidic and polar, with alanine, which is neutral and non-polar, at codon 335 of the P2RY12 protein (p.Asp335Ala). This variant is present in population databases (no rsID available, gnomAD 0.002%). This variant has not been reported in the literature in individuals affected with P2RY12-related conditions. ClinVar contains an entry for this variant (Variation ID: 2958581). An algorithm developed to predict the effect of missense changes on protein structure and function (PolyPhen-2) suggests that this variant is likely to be tolerated. In summary, the available evidence is currently insufficient to determine the role of this variant in disease. Therefore, it has been classified as a Variant of Uncertain Significance.